The following is an entry in ClinVar:

NM_001367561.1(DOCK7):c.3737T>C (p.Ile1246Thr)

Gene: DOCK7 (dedicator of cytokinesis 7; minus strand). Cytogenetic location: 1p31.3.
Variant type: single nucleotide variant.
Coding change: c.3737T>C on transcript NM_001367561.1 (MANE Select); coding-DNA position 3737, T replaced by C.
Protein change: p.Ile1246Thr; replaces isoleucine 1246 with threonine.
Molecular consequence: missense variant.
Genome position (GRCh38, 1-based): chr1:62,529,321, A>G on the plus strand (T>C on the coding strand, the complement: DOCK7 is on the minus strand). VCF-style: chr1-62529321-A-G. GRCh37 (hg19) VCF-style: chr1-62994992-A-G.
Other names: c.3737T>C, p.Ile1246Thr (NM_001271999.2, NM_001330614.2); c.3644T>C, p.Ile1215Thr (NM_001272000.2, NM_001272001.2, NM_033407.4); short protein forms I1215T, I1246T.
Identifiers: ClinVar variation 2420428 (VCV002420428.8), dbSNP rs1430048666, ClinGen allele CA340600603.

ClinVar aggregate classification (germline): Uncertain significance (1 of 4 stars; one submission).

Conditions:
Developmental and epileptic encephalopathy, 23 (DEE23). Also called: Epileptic encephalopathy, early infantile, 23. Identifiers: Orphanet 411986, MedGen C4014492, MONDO:0014371, OMIM 615859.

Allele frequency attached by ClinVar (database versions not stated): gnomAD exomes below 0.00001; TOPMed below 0.00001.
gnomAD v4.1: 1 of 1,613,020 alleles (0.000062%); highest among the groups gnomAD compares: African/African-American, 0.0013%; no homozygotes.

Submission:

Labcorp Genetics (formerly Invitae), Labcorp
Classification: Uncertain significance for Developmental and epileptic encephalopathy, 23. Last evaluated: 2022-06-22. Review status: criteria provided, single submitter. Criteria: Invitae Variant Classification Sherloc (09022015). Collection method: clinical testing. Allele origin: germline.
Comment: This variant is not present in population databases (gnomAD no frequency). This sequence change replaces isoleucine, which is neutral and non-polar, with threonine, which is neutral and polar, at codon 1246 of the DOCK7 protein (p.Ile1246Thr). This variant has not been reported in the literature in individuals affected with DOCK7-related conditions. In summary, the available evidence is currently insufficient to determine the role of this variant in disease. Therefore, it has been classified as a Variant of Uncertain Significance. Algorithms developed to predict the effect of missense changes on protein structure and function are either unavailable or do not agree on the potential impact of this missense change (SIFT: "Deleterious"; PolyPhen-2: "Possibly Damaging"; Align-GVGD: "Class C0").